The following is an entry in ClinVar:

ClinVar aggregate classification (germline): Uncertain significance. Review status: criteria provided, single submitter (1 of 4 stars). 2 submissions from 2 submitters: Uncertain significance (1). 1 of the submissions does not count toward it. Last evaluated 2023-08-29.

Conditions:
Ovarian neoplasm. Also called: Ovarian tumor; Neoplasm of ovary; Ovarian Neoplasms. Identifiers: MedGen C0919267, MeSH D010051, MONDO:0021068, HP:0100615.

Submissions (2):

Ophthalmic Genetics Group, Institute of Molecular and Clinical Ophthalmology Basel
Classification: Uncertain significance for Neoplasm of ovary. Last evaluated: 2023-08-29. Review status: criteria provided, single submitter. Criteria: ACMG Guidelines, 2015. Collection method: curation. Allele origin: unknown.
Comment: Clinical significance based on ACMG v2.0

This variant was classified as Uncertain significance based on ACMG criteria: PM2 and BP4.

Department of Zoology Govt. MVM College
Classification: Likely pathogenic for Neoplasm of ovary. Review status: no assertion criteria provided. Collection method: not provided. Allele origin: unknown. Not counted in ClinVar's aggregate classification.
Comment: KM275488
ClinVar note: Converted during submission from probable-pathogenic to Likely pathogenic.

NC_012920.1(MT-TT):m.15932T>G

Gene: MT-TT (mitochondrially encoded tRNA threonine; plus strand).
Variant type: single nucleotide variant.
Genome position: chrM-15932-T-G.
Identifiers: ClinVar variation 143904 (VCV000143904.3), dbSNP rs527236199, ClinGen allele CA170533.